The following is an entry in ClinVar:

ClinVar aggregate classification (germline): Likely pathogenic (1 of 4 stars; one submission).

Submission:

ARUP Laboratories, Molecular Genetics and Genomics, ARUP Laboratories
Classification: Likely pathogenic. Last evaluated: 2022-11-23. Review status: criteria provided, single submitter. Criteria: ARUP Molecular Germline Variant Investigation Process 2021. Collection method: clinical testing. Allele origin: germline.
Comment: The G6PD c.412T>G; p.Phe138Val variant, to our knowledge, is not reported in the medical literature or gene specific databases. This variant is also absent from the Genome Aggregation Database, indicating it is not a common polymorphism. The phenylalanine at codon 138 is highly conserved, and computational analyses predict that this variant is deleterious (REVEL: 0.937). Based on available information, this variant is considered to be likely pathogenic.

NM_001360016.2(G6PD):c.412T>G (p.Phe138Val)

Gene: G6PD (glucose-6-phosphate dehydrogenase; minus strand). Cytogenetic location: Xq28.
Variant type: single nucleotide variant.
Coding change: c.412T>G on transcript NM_001360016.2 (MANE Select); coding-DNA position 412, T replaced by G.
Protein change: p.Phe138Val; replaces phenylalanine 138 with valine.
Molecular consequence: missense variant.
Genome position (GRCh38, 1-based): chrX:154,535,241, A>C on the plus strand (T>G on the coding strand, the complement: G6PD is on the minus strand). VCF-style: chrX-154535241-A-C. GRCh37 (hg19) VCF-style: chrX-153763456-A-C.
Other names: c.502T>G, p.Phe168Val (NM_000402.4); c.412T>G, p.Phe138Val (NM_001042351.3); short protein forms F138V, F168V.
Identifiers: ClinVar variation 2428712 (VCV002428712.3), dbSNP rs2523270915, ClinGen allele CA415238545.